The following is an entry in ClinVar:

ClinVar aggregate classification (germline): Uncertain significance. Review status: criteria provided, multiple submitters, no conflicts (2 of 4 stars). 2 submissions from 2 submitters: Uncertain significance (2). Last evaluated 2026-07-24.

Conditions:
Neurofibromatosis, type 1 (NF1). Also called: VON RECKLINGHAUSEN DISEASE; Peripheral type neurofibromatosis; Neurofibromatosis, type I; NEUROFIBROMATOSIS, TYPE I, SOMATIC. Identifiers: Orphanet 636, MedGen C0027831, MONDO:0018975, OMIM 162200. Disease mechanism: loss of function.
Cardiovascular phenotype. Identifiers: MedGen CN230736.
Hereditary cancer-predisposing syndrome. Also called: Hereditary Cancer Syndrome; Hereditary neoplastic syndrome; Neoplastic Syndromes, Hereditary; Tumor predisposition. Identifiers: Orphanet 140162, MedGen C0027672, MeSH D009386, MONDO:0015356.

Allele frequency attached by ClinVar (database versions not stated): TOPMed below 0.00001; gnomAD 0.00001.
gnomAD v4.1: 1 of 1,614,038 alleles (0.000062%); highest among the groups gnomAD compares: African/African-American, 0.0013%; no homozygotes.

Submissions (2):

Ambry Genetics
Classification: Uncertain significance for Cardiovascular phenotype; Hereditary cancer-predisposing syndrome. Last evaluated: 2026-07-24. Review status: criteria provided, single submitter. Criteria: Ambry Variant Classification Scheme 2023. Collection method: clinical testing. Allele origin: germline.
Comment: The p.L1789P variant (also known as c.5366T>C), located in coding exon 37 of the NF1 gene, results from a T to C substitution at nucleotide position 5366. The leucine at codon 1789 is replaced by proline, an amino acid with similar properties. This amino acid position is highly conserved in available vertebrate species. In addition, this alteration is predicted to be deleterious by in silico analysis. Based on the available evidence, the clinical significance of this variant remains unclear.

Labcorp Genetics (formerly Invitae), Labcorp
Classification: Uncertain significance for Neurofibromatosis, type 1. Last evaluated: 2025-11-22. Review status: criteria provided, single submitter. Criteria: Invitae Variant Classification Sherloc (09022015). Collection method: clinical testing. Allele origin: germline.
Comment: This sequence change replaces leucine, which is neutral and non-polar, with proline, which is neutral and non-polar, at codon 1789 of the NF1 protein (p.Leu1789Pro). This variant is not present in population databases (gnomAD no frequency). This variant has not been reported in the literature in individuals affected with NF1-related conditions. ClinVar contains an entry for this variant (Variation ID: 1747086). Invitae Evidence Modeling of protein sequence and biophysical properties (such as structural, functional, and spatial information, amino acid conservation, physicochemical variation, residue mobility, and thermodynamic stability) indicates that this missense variant is expected to disrupt NF1 protein function with a positive predictive value of 95%. In summary, the available evidence is currently insufficient to determine the role of this variant in disease. Therefore, it has been classified as a Variant of Uncertain Significance.

NM_001042492.3(NF1):c.5429T>C (p.Leu1810Pro)

Gene: NF1 (neurofibromin 1; plus strand). Cytogenetic location: 17q11.2.
Variant type: single nucleotide variant.
Coding change: c.5429T>C on transcript NM_001042492.3 (MANE Select); coding-DNA position 5429, T replaced by C.
Protein change: p.Leu1810Pro; replaces leucine 1810 with proline.
Molecular consequence: missense variant.
Genome position (GRCh38, 1-based): chr17:31,327,659, T>C. VCF-style: chr17-31327659-T-C. GRCh37 (hg19) VCF-style: chr17-29654677-T-C.
Other names: c.5366T>C, p.Leu1789Pro (NM_000267.4); short protein forms L1810P, L1789P.
Identifiers: ClinVar variation 1747086 (VCV001747086.7), dbSNP rs1226080473, ClinGen allele CA399009419.